The following is an entry in ClinVar:

ClinVar aggregate classification (germline): Benign/Likely benign. Review status: criteria provided, multiple submitters, no conflicts (2 of 4 stars). 8 submissions from 8 submitters: Benign (3); Likely benign (4). 1 of the submissions does not count toward it. Last evaluated 2026-07-01.

Conditions:
CHD2-related disorder. Also called: CHD2-related condition.
Inborn genetic diseases. Identifiers: MedGen C0950123, MeSH D030342.
Developmental and epileptic encephalopathy 94 (DEE94). Also called: Epileptic encephalopathy, childhood-onset; CHD2-Related Neurodevelopmental Disorders. Identifiers: Orphanet 1942, Orphanet 2382, MedGen C3809278, MONDO:0014150, OMIM 615369.

Allele frequency attached by ClinVar (database versions not stated): 1000 Genomes Project 30x 0.00016; 1000 Genomes Project 0.00020; gnomAD 0.00070 and 0.00078; ExAC 0.00080; TOPMed 0.00090; ESP Exome Variant Server 0.00123.
gnomAD v4.1: 1,798 of 1,614,142 alleles (0.11%); highest among the groups gnomAD compares: Middle Eastern, 0.48%; 3 homozygotes.

Submissions (8):

CeGaT Center for Human Genetics Tuebingen
Classification: Likely benign. Last evaluated: 2026-07-01. Review status: criteria provided, single submitter. Criteria: CeGaT Center For Human Genetics Tuebingen Variant Classification Criteria Version 2. Collection method: clinical testing. Allele origin: germline. Affected: yes. Observed: 10 variant alleles.
Comment: CHD2: BP4, BP7, BS1

Labcorp Genetics (formerly Invitae), Labcorp
Classification: Benign for Developmental and epileptic encephalopathy 94. Last evaluated: 2026-02-02. Review status: criteria provided, single submitter. Criteria: Invitae Variant Classification Sherloc (09022015). Collection method: clinical testing. Allele origin: germline.

Blueprint Genetics
Classification: Likely benign. Last evaluated: 2024-11-17. Review status: criteria provided, single submitter. Criteria: ACMG Guidelines, 2015. Collection method: clinical testing. Allele origin: germline.

GeneDx
Classification: Benign. Last evaluated: 2021-01-02. Review status: criteria provided, single submitter. Criteria: GeneDx Variant Classification Process June 2021. Collection method: clinical testing. Allele origin: germline. Affected: yes.

Athena Diagnostics
Classification: Benign. Last evaluated: 2018-11-14. Review status: criteria provided, single submitter. Criteria: Athena Diagnostics Criteria. Collection method: clinical testing. Allele origin: germline.

Ambry Genetics
Classification: Likely benign for Inborn genetic diseases. Last evaluated: 2016-10-10. Review status: criteria provided, single submitter. Criteria: Ambry Variant Classification Scheme 2023. Collection method: clinical testing. Allele origin: germline.

Breakthrough Genomics
Classification: Likely benign. Review status: criteria provided, single submitter. Criteria: ACMG Guidelines, 2015. Collection method: not provided. Allele origin: germline. Inheritance: Autosomal dominant inheritance. Affected: yes.

PreventionGenetics, part of Exact Sciences
Classification: Likely benign for CHD2-related condition. Last evaluated: 2019-08-07. Review status: no assertion criteria provided. Collection method: clinical testing. Allele origin: germline. Not counted in ClinVar's aggregate classification.
Comment: This variant is classified as likely benign based on ACMG/AMP sequence variant interpretation guidelines (Richards et al. 2015 PMID: 25741868, with internal and published modifications).

NM_001271.4(CHD2):c.960A>T (p.Thr320=)

Gene: CHD2 (chromodomain helicase DNA binding protein 2; plus strand). Cytogenetic location: 15q26.1.
Variant type: single nucleotide variant.
Coding change: c.960A>T on transcript NM_001271.4 (MANE Select); coding-DNA position 960, A replaced by T.
Protein change: p.Thr320=; no amino-acid change (threonine 320 retained).
Molecular consequence: synonymous variant.
Genome position (GRCh38, 1-based): chr15:92,942,976, A>T. VCF-style: chr15-92942976-A-T. GRCh37 (hg19) VCF-style: chr15-93486206-A-T.
Other names: c.960A>T, p.Thr320= (NM_001042572.3).
Identifiers: ClinVar variation 384086 (VCV000384086.45), dbSNP rs149632554, ClinGen allele CA7747667.